The following is an entry in ClinVar:

NM_006648.4(WNK2):c.3781C>A (p.Leu1261Ile)

Gene: WNK2 (WNK lysine deficient protein kinase 2; plus strand). Cytogenetic location: 9q22.31.
Variant type: single nucleotide variant.
Coding change: c.3781C>A on transcript NM_006648.4 (MANE Select); coding-DNA position 3781, C replaced by A.
Protein change: p.Leu1261Ile; replaces leucine 1261 with isoleucine.
Molecular consequence: missense variant.
Genome position (GRCh38, 1-based): chr9:93,267,830, C>A. VCF-style: chr9-93267830-C-A. GRCh37 (hg19) VCF-style: chr9-96030112-C-A.
Other names: c.3781C>A, p.Leu1261Ile (NM_001282394.3); short protein forms L1261I.
Identifiers: ClinVar variation 4826235 (VCV004826235.1).

ClinVar aggregate classification (germline): Uncertain significance (1 of 4 stars; one submission).

Submission:

Ambry Genetics
Classification: Uncertain significance. Last evaluated: 2026-03-04. Review status: criteria provided, single submitter. Criteria: Ambry Variant Classification Scheme 2023. Collection method: clinical testing. Allele origin: germline.
Comment: The p.L1261I variant (also known as c.3781C>A), located in coding exon 16 of the WNK2 gene, results from a C to A substitution at nucleotide position 3781. The leucine at codon 1261 is replaced by isoleucine, an amino acid with highly similar properties. This amino acid position is conserved. In addition, this alteration is predicted to be tolerated by in silico analysis. Based on the available evidence, the clinical significance of this variant remains unclear.